The following is an entry in ClinVar:

NM_139248.3(LIPH):c.1254_1268+7del

Gene: LIPH (lipase H; minus strand). Cytogenetic location: 3q27.2.
Variant type: Deletion.
Coding change: c.1254_1268+7del on transcript NM_139248.3 (MANE Select); coding-DNA position 1254 through 7 bases into the intron after coding-DNA position 1268, 22 bases deleted (TGCCCATCCGGAGAGGTGAGCT).
Molecular consequence: splice donor variant.
Genome position (GRCh38, 1-based): chr3:185,511,517-185,511,538, AGCTCACCTCTCCGGATGGGCA deleted on the plus strand (TGCCCATCCGGAGAGGTGAGCT on the coding strand, the reverse complement: LIPH is on the minus strand); deleting any 22 consecutive bases within chr3:185,511,517-185,511,540 gives the same sequence; the c. name uses the placement nearest the transcript's 3' end. VCF-style (leftmost placement, unchanged base first): chr3-185511516-CAGCTCACCTCTCCGGATGGGCA-C. GRCh37 (hg19) VCF-style: chr3-185229304-CAGCTCACCTCTCCGGATGGGCA-C.
Identifiers: ClinVar variation 3698983 (VCV003698983.2).
Genomic context (GRCh38, chr3:185,511,516, plus strand): 5'-GCAGATTGGACAGGATCCAGCAACATCTTTGGAAAACAGCGTTTTGTCAAACCGTACCCT[CAGCTCACCTCTCCGGATGGGCA>C]AGGGACCTTAACTTCATTCGGAGAATCCTGAGCTTGTACCTTGGGCCTATTAGAGATCCT-3'

ClinVar aggregate classification (germline): Uncertain significance (1 of 4 stars; one submission).

Submission:

Labcorp Genetics (formerly Invitae), Labcorp
Classification: Uncertain significance. Last evaluated: 2024-10-10. Review status: criteria provided, single submitter. Criteria: Invitae Variant Classification Sherloc (09022015). Collection method: clinical testing. Allele origin: germline.
Comment: This variant results in the deletion of part of exon 9 (c.1254_1268+7del) of the LIPH gene. While this variant is not anticipated to result in nonsense mediated decay, it likely alters RNA splicing and results in a disrupted protein product. This variant is not present in population databases (gnomAD no frequency). This variant has not been reported in the literature in individuals affected with LIPH-related conditions. Variants that disrupt the consensus splice site are a relatively common cause of aberrant splicing (PMID: 17576681, 9536098). In summary, the available evidence is currently insufficient to determine the role of this variant in disease. Therefore, it has been classified as a Variant of Uncertain Significance.

Literature cited by the submitters: PubMed 17576681; PubMed 9536098.